The following is an entry in ClinVar:

ClinVar aggregate classification (germline): Conflicting classifications of pathogenicity. Review status: criteria provided, conflicting classifications (1 of 4 stars). 2 submissions from 2 submitters: Uncertain significance (1); Likely benign (1). Last evaluated 2025-01-23.

Conditions:
LARS2-related disorder. Also called: LARS2-related condition.

Allele frequency attached by ClinVar (database versions not stated): TOPMed 0.00003; gnomAD 0.00007; ExAC 0.00027.
gnomAD v4.1: 184 of 1,614,056 alleles (0.011%); highest among the groups gnomAD compares: South Asian, 0.17%; 2 homozygotes.

Submissions (2):

PreventionGenetics, part of Exact Sciences
Classification: Likely benign for LARS2-related condition. Last evaluated: 2025-01-23. Review status: criteria provided, single submitter. Criteria: ACMG Guidelines, 2015. Collection method: clinical testing. Allele origin: germline.
Comment: This variant is classified as likely benign based on ACMG/AMP sequence variant interpretation guidelines (Richards et al. 2015 PMID: 25741868, with internal and published modifications).

Labcorp Genetics (formerly Invitae), Labcorp
Classification: Uncertain significance. Last evaluated: 2022-07-21. Review status: criteria provided, single submitter. Criteria: Invitae Variant Classification Sherloc (09022015). Collection method: clinical testing. Allele origin: germline.
Comment: This sequence change replaces threonine, which is neutral and polar, with alanine, which is neutral and non-polar, at codon 470 of the LARS2 protein (p.Thr470Ala). This variant is present in population databases (rs374512213, gnomAD 0.2%). This variant has not been reported in the literature in individuals affected with LARS2-related conditions. Algorithms developed to predict the effect of missense changes on protein structure and function are either unavailable or do not agree on the potential impact of this missense change (SIFT: "Deleterious"; PolyPhen-2: "Benign"; Align-GVGD: "Class C0"). In summary, the available evidence is currently insufficient to determine the role of this variant in disease. Therefore, it has been classified as a Variant of Uncertain Significance.

NM_015340.4(LARS2):c.1408A>G (p.Thr470Ala)

Genes: LARS2 (leucyl-tRNA synthetase 2, mitochondrial; plus strand), LARS2-AS1 (LARS2 antisense RNA 1; minus strand). Cytogenetic location: 3p21.31.
Variant type: single nucleotide variant.
Coding change: c.1408A>G on transcript NM_015340.4 (MANE Select); coding-DNA position 1408, A replaced by G.
Protein change: p.Thr470Ala; replaces threonine 470 with alanine.
Molecular consequence: missense variant.
Genome position (GRCh38, 1-based): chr3:45,491,685, A>G. VCF-style: chr3-45491685-A-G. GRCh37 (hg19) VCF-style: chr3-45533177-A-G.
Other names: c.1408A>G, p.Thr470Ala (NM_001368263.1); c.1408A>G (NM_015340.3); short protein forms T470A.
Identifiers: ClinVar variation 2055064 (VCV002055064.2), dbSNP rs374512213, ClinGen allele CA2349593.